The following is an entry in ClinVar:

ClinVar aggregate classification (germline): Pathogenic (1 of 4 stars; one submission).

Conditions:
Joubert syndrome. Also called: CEREBELLOPARENCHYMAL DISORDER IV; JOUBERT-BOLTSHAUSER SYNDROME; Familial aplasia of the vermis. Identifiers: Orphanet 475, MedGen C5979921, MONDO:0018772.
Nephronophthisis. Also called: Juvenile Nephronophthisis. Identifiers: Orphanet 655, MedGen C0687120, MONDO:0019005, HP:0000090.
Meckel-Gruber syndrome. Also called: DYSENCEPHALIA SPLANCHNOCYSTICA; GRUBER SYNDROME; Dysencephalia splachnocystica. Identifiers: Orphanet 564, MedGen C0265215, MONDO:0018921.

Submission:

Labcorp Genetics (formerly Invitae), Labcorp
Classification: Pathogenic for Joubert syndrome; Meckel-Gruber syndrome; Nephronophthisis. Last evaluated: 2024-09-18. Review status: criteria provided, single submitter. Criteria: Invitae Variant Classification Sherloc (09022015). Collection method: clinical testing. Allele origin: germline.
Comment: This sequence change creates a premature translational stop signal (p.Ala434*) in the CEP290 gene. It is expected to result in an absent or disrupted protein product. Loss-of-function variants in CEP290 are known to be pathogenic (PMID: 16909394, 17345604, 20690115). This variant is not present in population databases (gnomAD no frequency). This variant has not been reported in the literature in individuals affected with CEP290-related conditions. ClinVar contains an entry for this variant (Variation ID: 2187717). For these reasons, this variant has been classified as Pathogenic.

Literature cited by the submitters: PubMed 16909394; PubMed 17345604; PubMed 20690115.

NM_025114.4(CEP290):c.1296_1299dup (p.Ala434Ter)

Gene: CEP290 (centrosomal protein 290; minus strand). Cytogenetic location: 12q21.32.
Variant type: Duplication.
Coding change: c.1296_1299dup on transcript NM_025114.4 (MANE Select); coding-DNA positions 1296 to 1299, 4 bases duplicated (TGAT; older notation c.1296_1299dupTGAT).
Protein change: p.Ala434Ter; replaces alanine 434 with a stop codon.
Molecular consequence: nonsense.
Genome position (GRCh38, 1-based): chr12:88,121,057-88,121,060, ATCA duplicated on the plus strand (TGAT on the coding strand, the reverse complement: CEP290 is on the minus strand). VCF-style (leftmost placement, unchanged base first): chr12-88121056-C-CATCA. GRCh37 (hg19) VCF-style: chr12-88514833-C-CATCA.
Other names: short protein forms A434*.
Identifiers: ClinVar variation 2187717 (VCV002187717.4), dbSNP rs2501090110, ClinGen allele CA2580086750.